The following is an entry in ClinVar:

ClinVar aggregate classification (germline): Uncertain significance. Review status: criteria provided, multiple submitters, no conflicts (2 of 4 stars). 4 submissions from 4 submitters: Uncertain significance (4). Last evaluated 2024-06-10.

Conditions:
Primary familial hypertrophic cardiomyopathy (HCM). Identifiers: Orphanet 99739, MedGen C0949658, MeSH D024741, MONDO:0024573. Inheritance: Various modes of inheritance.
Dilated cardiomyopathy 1AA (CMD1AA). Also called: Cardiomyopathy, dilated, 1AA, with or without LVNC; CARDIOMYOPATHY, DILATED, 1AA, WITH OR WITHOUT LEFT VENTRICULAR NONCOMPACTION; CARDIOMYOPATHY, FAMILIAL HYPERTROPHIC, 23, WITH OR WITHOUT LEFT VENTRICULAR NONCOMPACTION. Identifiers: Orphanet 154, MedGen C2677338, MONDO:0012808, OMIM 612158.
Cardiovascular phenotype. Identifiers: MedGen CN230736.

Allele frequency attached by ClinVar (database versions not stated): gnomAD exomes 0.00001.
gnomAD v4.1: 8 of 1,614,186 alleles (0.0005%); highest among the groups gnomAD compares: Non-Finnish European, 0.00068%; no homozygotes.

Submissions (4):

Ambry Genetics
Classification: Uncertain significance for Cardiovascular phenotype. Last evaluated: 2024-06-10. Review status: criteria provided, single submitter. Criteria: Ambry Variant Classification Scheme 2023. Collection method: clinical testing. Allele origin: germline.
Comment: The p.L511P variant (also known as c.1532T>C), located in coding exon 14 of the ACTN2 gene, results from a T to C substitution at nucleotide position 1532. The leucine at codon 511 is replaced by proline, an amino acid with similar properties. This amino acid position is highly conserved in available vertebrate species. In addition, this alteration is predicted to be deleterious by in silico analysis. Based on the available evidence, the clinical significance of this variant remains unclear.

Labcorp Genetics (formerly Invitae), Labcorp
Classification: Uncertain significance for Primary familial hypertrophic cardiomyopathy; Dilated cardiomyopathy 1AA. Last evaluated: 2023-12-11. Review status: criteria provided, single submitter. Criteria: Invitae Variant Classification Sherloc (09022015). Collection method: clinical testing. Allele origin: germline.
Comment: This sequence change replaces leucine, which is neutral and non-polar, with proline, which is neutral and non-polar, at codon 511 of the ACTN2 protein (p.Leu511Pro). This variant is not present in population databases (gnomAD no frequency). This variant has not been reported in the literature in individuals affected with ACTN2-related conditions. ClinVar contains an entry for this variant (Variation ID: 191596). Advanced modeling of protein sequence and biophysical properties (such as structural, functional, and spatial information, amino acid conservation, physicochemical variation, residue mobility, and thermodynamic stability) performed at Invitae indicates that this missense variant is expected to disrupt ACTN2 protein function with a positive predictive value of 80%. In summary, the available evidence is currently insufficient to determine the role of this variant in disease. Therefore, it has been classified as a Variant of Uncertain Significance.

AiLife Diagnostics
Classification: Uncertain significance. Last evaluated: 2021-12-03. Review status: criteria provided, single submitter. Criteria: ACMG Guidelines, 2015. Collection method: clinical testing. Allele origin: germline. Affected: yes. Observed: 1 variant allele.

Biesecker Lab/Clinical Genomics Section, National Institutes of Health
Classification: Uncertain significance. Last evaluated: 2013-06-24. Review status: criteria provided, single submitter. Criteria: Ng et al. (Circ Cardiovasc Genet. 2013). Collection method: research. Allele origin: unknown. Observed: 1 variant allele. Study: ClinSeq.
Comment: The study set was not selected for affection status in relation to any cancer. Pathogenicity categories were based on literature curation. See Pubmed ID:23861362 for details.

Medical sequencing

NM_001103.4(ACTN2):c.1532T>C (p.Leu511Pro)

Gene: ACTN2 (actinin alpha 2; plus strand). Cytogenetic location: 1q43.
Variant type: single nucleotide variant.
Coding change: c.1532T>C on transcript NM_001103.4 (MANE Select); coding-DNA position 1532, T replaced by C.
Protein change: p.Leu511Pro; replaces leucine 511 with proline.
Molecular consequence: missense variant.
Genome position (GRCh38, 1-based): chr1:236,749,140, T>C. VCF-style: chr1-236749140-T-C. GRCh37 (hg19) VCF-style: chr1-236912440-T-C.
Other names: c.1532T>C, p.Leu511Pro (NM_001278343.2); c.908T>C, p.Leu303Pro (NM_001278344.2); short protein forms L511P, L303P.
Identifiers: ClinVar variation 191596 (VCV000191596.12), dbSNP rs786205346, ClinGen allele CA237017.